The following is an entry in ClinVar:

NM_003500.4(ACOX2):c.1984-9T>C

Gene: ACOX2 (acyl-CoA oxidase 2; minus strand). Cytogenetic location: 3p14.3.
Variant type: single nucleotide variant.
Coding change: c.1984-9T>C on transcript NM_003500.4 (MANE Select); 9 bases into the intron before coding-DNA position 1984, T replaced by C.
Molecular consequence: intron variant.
Genome position (GRCh38, 1-based): chr3:58,505,295, A>G on the plus strand (T>C on the coding strand, the complement: ACOX2 is on the minus strand). VCF-style: chr3-58505295-A-G. GRCh37 (hg19) VCF-style: chr3-58491022-A-G.
Other names: c.1984-9T>C (NM_003500.3).
Identifiers: ClinVar variation 1530365 (VCV001530365.9), dbSNP rs767016709, ClinGen allele CA2471860.

ClinVar aggregate classification (germline): Likely benign. Review status: criteria provided, multiple submitters, no conflicts (2 of 4 stars). 2 submissions from 2 submitters: Likely benign (2). Last evaluated 2025-05-14.

Conditions:
ACOX2-related disorder. Also called: ACOX2-related condition.

Allele frequency attached by ClinVar (database versions not stated): gnomAD 0.00001; TOPMed 0.00001; gnomAD exomes 0.00002 and 0.00003; ExAC 0.00003.
gnomAD v4.1: 35 of 1,610,310 alleles (0.0022%); highest among the groups gnomAD compares: Middle Eastern, 0.066%; 1 homozygote.

Submissions (2):

PreventionGenetics, part of Exact Sciences
Classification: Likely benign for ACOX2-related condition. Last evaluated: 2025-05-14. Review status: criteria provided, single submitter. Criteria: ACMG Guidelines, 2015. Collection method: clinical testing. Allele origin: germline.
Comment: This variant is classified as likely benign based on ACMG/AMP sequence variant interpretation guidelines (Richards et al. 2015 PMID: 25741868, with internal and published modifications).

Labcorp Genetics (formerly Invitae), Labcorp
Classification: Likely benign. Last evaluated: 2022-08-10. Review status: criteria provided, single submitter. Criteria: Invitae Variant Classification Sherloc (09022015). Collection method: clinical testing. Allele origin: germline.